The following is an entry in ClinVar:

ClinVar aggregate classification (germline): Uncertain significance (1 of 4 stars; one submission).

Conditions:
Primary ciliary dyskinesia. Also called: Ciliary dyskinesia. Identifiers: Orphanet 244, MedGen C0008780, MONDO:0016575, HP:0012265.

Submission:

Labcorp Genetics (formerly Invitae), Labcorp
Classification: Uncertain significance for Primary ciliary dyskinesia. Last evaluated: 2020-08-27. Review status: criteria provided, single submitter. Criteria: Invitae Variant Classification Sherloc (09022015). Collection method: clinical testing. Allele origin: germline.
Comment: This sequence change replaces alanine with valine at codon 3 of the MCIDAS protein (p.Ala3Val). The alanine residue is moderately conserved and there is a small physicochemical difference between alanine and valine. In summary, the available evidence is currently insufficient to determine the role of this variant in disease. Therefore, it has been classified as a Variant of Uncertain Significance. Algorithms developed to predict the effect of sequence changes on RNA splicing suggest that this variant may create or strengthen a splice site, but this prediction has not been confirmed by published transcriptional studies. Algorithms developed to predict the effect of missense changes on protein structure and function (SIFT, PolyPhen-2, Align-GVGD) all suggest that this variant is likely to be tolerated, but these predictions have not been confirmed by published functional studies and their clinical significance is uncertain. This variant has not been reported in the literature in individuals with MCIDAS-related conditions. The frequency data for this variant in the population databases is considered unreliable, as metrics indicate insufficient coverage at this position in the ExAC database.

NM_001190787.3(MCIDAS):c.8C>T (p.Ala3Val)

Genes: MCIDAS (multiciliate differentiation and DNA synthesis associated cell cycle protein; minus strand), LOC129993892 (ATAC-STARR-seq lymphoblastoid silent region 16010; plus strand). Cytogenetic location: 5q11.2.
Variant type: single nucleotide variant.
Coding change: c.8C>T on transcript NM_001190787.3 (MANE Select); coding-DNA position 8, C replaced by T.
Protein change: p.Ala3Val; replaces alanine 3 with valine.
Molecular consequence: missense variant.
Genome position (GRCh38, 1-based): chr5:55,227,131, G>A on the plus strand (C>T on the coding strand, the complement: MCIDAS is on the minus strand). VCF-style: chr5-55227131-G-A. GRCh37 (hg19) VCF-style: chr5-54522959-G-A.
Other names: short protein forms A3V.
Identifiers: ClinVar variation 1010747 (VCV001010747.9), dbSNP rs1268527093, ClinGen allele CA359734869.
Genomic context (GRCh38, chr5:55,227,131, plus strand): 5'-AGCATTCTGTTGGGGCAGATGCTGTCGAAGGCCCGACGGCCGGCCGCGCCGCCCCCGCAC[G>A]CCTGCATTGTGCCTCCTGCCTCCGGGTGCCGACTGCTCGGAGGCGGCGGCCCGGGCTGGG-3'
Protein context (NP_001177716.1, residues 1-13): MQ[Ala3Val]CGGGAAGRRA